The following is an entry in ClinVar:

NM_001379500.1(COL18A1):c.467C>T (p.Pro156Leu)

Gene: COL18A1 (collagen type XVIII alpha 1 chain; plus strand). Cytogenetic location: 21q22.3.
Variant type: single nucleotide variant.
Coding change: c.467C>T on transcript NM_001379500.1 (MANE Select); coding-DNA position 467, C replaced by T.
Protein change: p.Pro156Leu; replaces proline 156 with leucine.
Molecular consequence: missense variant.
Genome position (GRCh38, 1-based): chr21:45,468,602, C>T. VCF-style: chr21-45468602-C-T. GRCh37 (hg19) VCF-style: chr21-46888516-C-T.
Other names: c.1007C>T, p.Pro336Leu (NM_030582.4); c.1712C>T, p.Pro571Leu (NM_130444.3); short protein forms P336L, P571L, P156L.
Identifiers: ClinVar variation 1430280 (VCV001430280.6), dbSNP rs369275624, ClinGen allele CA10065754.

ClinVar aggregate classification (germline): Uncertain significance (1 of 4 stars; one submission).

Allele frequency attached by ClinVar (database versions not stated): gnomAD exomes 0.00001; ExAC 0.00002; ESP Exome Variant Server 0.00008.
gnomAD v4.1: 5 of 1,613,838 alleles (0.00031%); highest among the groups gnomAD compares: South Asian, 0.0033%; no homozygotes.

Submission:

Labcorp Genetics (formerly Invitae), Labcorp
Classification: Uncertain significance. Last evaluated: 2024-07-29. Review status: criteria provided, single submitter. Criteria: Invitae Variant Classification Sherloc (09022015). Collection method: clinical testing. Allele origin: germline.
Comment: This sequence change replaces proline, which is neutral and non-polar, with leucine, which is neutral and non-polar, at codon 156 of the COL18A1 protein (p.Pro156Leu). This variant is present in population databases (rs369275624, gnomAD 0.003%). This variant has not been reported in the literature in individuals affected with COL18A1-related conditions. ClinVar contains an entry for this variant (Variation ID: 1430280). Experimental studies and prediction algorithms are not available or were not evaluated, and the functional significance of this variant is currently unknown. In summary, the available evidence is currently insufficient to determine the role of this variant in disease. Therefore, it has been classified as a Variant of Uncertain Significance.